The following is an entry in ClinVar:

NM_177438.3(DICER1):c.2393C>T (p.Thr798Ile)

Gene: DICER1 (dicer 1, ribonuclease III; minus strand). Cytogenetic location: 14q32.13.
Variant type: single nucleotide variant.
Coding change: c.2393C>T on transcript NM_177438.3 (MANE Select); coding-DNA position 2393, C replaced by T.
Protein change: p.Thr798Ile; replaces threonine 798 with isoleucine.
Molecular consequence: missense variant.
Genome position (GRCh38, 1-based): chr14:95,108,367, G>A on the plus strand (C>T on the coding strand, the complement: DICER1 is on the minus strand). VCF-style: chr14-95108367-G-A. GRCh37 (hg19) VCF-style: chr14-95574704-G-A.
Other names: c.2393C>T, p.Thr798Ile (NM_001195573.1, NM_001271282.3, NM_001291628.2 and 1 more transcripts); short protein forms T798I.
Identifiers: ClinVar variation 936355 (VCV000936355.12), dbSNP rs1891647697, ClinGen allele CA390882137.

ClinVar aggregate classification (germline): Uncertain significance. Review status: criteria provided, multiple submitters, no conflicts (2 of 4 stars). 2 submissions from 2 submitters: Uncertain significance (2). Last evaluated 2024-03-05.

Conditions:
DICER1-related tumor predisposition. Also called: DICER1 syndrome; DICER1-related pleuropulmonary blastoma cancer predisposition syndrome. Identifiers: Orphanet 284343, MedGen C3839822, MONDO:0100216.
Hereditary cancer-predisposing syndrome. Also called: Tumor predisposition; Hereditary neoplastic syndrome; Neoplastic Syndromes, Hereditary; Hereditary Cancer Syndrome. Identifiers: Orphanet 140162, MedGen C0027672, MeSH D009386, MONDO:0015356.

gnomAD v4.1: 1 of 1,614,004 alleles (0.000062%); no homozygotes.

Submissions (2):

Ambry Genetics
Classification: Uncertain significance for Hereditary cancer-predisposing syndrome. Last evaluated: 2024-03-05. Review status: criteria provided, single submitter. Criteria: Ambry Variant Classification Scheme 2023. Collection method: clinical testing. Allele origin: germline.
Comment: The p.T798I variant (also known as c.2393C>T), located in coding exon 14 of the DICER1 gene, results from a C to T substitution at nucleotide position 2393. The threonine at codon 798 is replaced by isoleucine, an amino acid with similar properties. This amino acid position is conserved. In addition, this alteration is predicted to be deleterious by in silico analysis. Based on the available evidence, the clinical significance of this alteration remains unclear.

Labcorp Genetics (formerly Invitae), Labcorp
Classification: Uncertain significance for DICER1-related tumor predisposition. Last evaluated: 2022-03-17. Review status: criteria provided, single submitter. Criteria: Invitae Variant Classification Sherloc (09022015). Collection method: clinical testing. Allele origin: germline.
Comment: In summary, the available evidence is currently insufficient to determine the role of this variant in disease. Therefore, it has been classified as a Variant of Uncertain Significance. Algorithms developed to predict the effect of missense changes on protein structure and function are either unavailable or do not agree on the potential impact of this missense change (SIFT: "Tolerated"; PolyPhen-2: "Probably Damaging"; Align-GVGD: "Class C0"). ClinVar contains an entry for this variant (Variation ID: 936355). This variant has not been reported in the literature in individuals affected with DICER1-related conditions. This variant is not present in population databases (gnomAD no frequency). This sequence change replaces threonine, which is neutral and polar, with isoleucine, which is neutral and non-polar, at codon 798 of the DICER1 protein (p.Thr798Ile).